The following is an entry in ClinVar:

ClinVar aggregate classification (germline): Uncertain significance (1 of 4 stars; one submission).

Conditions:
Cardiovascular phenotype. Identifiers: MedGen CN230736.

Allele frequency attached by ClinVar (database versions not stated): gnomAD exomes below 0.00001.

Submission:

Ambry Genetics
Classification: Uncertain significance for Cardiovascular phenotype. Last evaluated: 2022-07-23. Review status: criteria provided, single submitter. Criteria: Ambry Variant Classification Scheme 2023. Collection method: clinical testing. Allele origin: germline.
Comment: The p.A170V variant (also known as c.509C>T), located in coding exon 1 of the FOXE3 gene, results from a C to T substitution at nucleotide position 509. The alanine at codon 170 is replaced by valine, an amino acid with similar properties. This amino acid position is conserved. In addition, this alteration is predicted to be tolerated by in silico analysis. Since supporting evidence is limited at this time, the clinical significance of this alteration remains unclear.

NM_012186.3(FOXE3):c.509C>T (p.Ala170Val)

Genes: FOXE3 (forkhead box E3; plus strand), LINC01389 (long intergenic non-protein coding RNA 1389; minus strand). Cytogenetic location: 1p33.
Variant type: single nucleotide variant.
Coding change: c.509C>T on transcript NM_012186.3 (MANE Select); coding-DNA position 509, C replaced by T.
Protein change: p.Ala170Val; replaces alanine 170 with valine.
Molecular consequence: missense variant.
Genome position (GRCh38, 1-based): chr1:47,416,824, C>T. VCF-style: chr1-47416824-C-T. GRCh37 (hg19) VCF-style: chr1-47882496-C-T.
Other names: short protein forms A170V.
Identifiers: ClinVar variation 1745319 (VCV001745319.2), dbSNP rs2521319247, ClinGen allele CA340250142.
Genomic context (GRCh38, chr1:47,416,824, plus strand): 5'-CGGCCGCAGACATGTTCGACAACGGCAGCTTCCTGCGGCGCCGCAAGCGCTTCAAGCGCG[C>T]CGAGCTGCCCGCGCACGCGGCCGCGGCGCCAGGGCCGCCGCTCCCCTTCCCCTACGCGCC-3'
Protein context (NP_036318.1, residues 160-180): FLRRRKRFKR[Ala170Val]ELPAHAAAAP